The following is an entry in ClinVar:

NM_198253.3(TERT):c.3373T>G (p.Ser1125Ala)

Gene: TERT (telomerase reverse transcriptase; minus strand). Cytogenetic location: 5p15.33.
Variant type: single nucleotide variant.
Coding change: c.3373T>G on transcript NM_198253.3 (MANE Select); coding-DNA position 3373, T replaced by G.
Protein change: p.Ser1125Ala; replaces serine 1125 with alanine.
Molecular consequence: missense variant. On other transcripts: non-coding transcript variant (2).
Genome position (GRCh38, 1-based): chr5:1,253,754, A>C on the plus strand (T>G on the coding strand, the complement: TERT is on the minus strand). VCF-style: chr5-1253754-A-C. GRCh37 (hg19) VCF-style: chr5-1253869-A-C.
Other names: c.3184T>G, p.Ser1062Ala (NM_001193376.3); c.3373T>G, p.Ser1125Ala (NM_003219.1); short protein forms S1062A, S1125A.
Identifiers: ClinVar variation 1717737 (VCV001717737.8), dbSNP rs2478065733, ClinGen allele CA359066534.

ClinVar aggregate classification (germline): Conflicting classifications of pathogenicity. Review status: criteria provided, conflicting classifications (1 of 4 stars). 2 submissions from 2 submitters: Uncertain significance (1); Likely benign (1). Last evaluated 2024-02-23.

Conditions:
Dyskeratosis congenita. Identifiers: Orphanet 1775, MedGen C0265965, MONDO:0015780.
Dyskeratosis congenita, autosomal dominant 2. Identifiers: MedGen C3151443, MONDO:0013521, OMIM 613989.
Idiopathic Pulmonary Fibrosis. Also called: Idiopathic fibrosing alveolitis, chronic form; idiopathic fibrosing alveolitis. Identifiers: Orphanet 2032, MedGen C1800706, MeSH D054990, MONDO:0800504.

Submissions (2):

Labcorp Genetics (formerly Invitae), Labcorp
Classification: Uncertain significance for Dyskeratosis congenita, autosomal dominant 2; Idiopathic Pulmonary Fibrosis. Last evaluated: 2024-02-23. Review status: criteria provided, single submitter. Criteria: Invitae Variant Classification Sherloc (09022015). Collection method: clinical testing. Allele origin: germline.
Comment: This sequence change replaces serine, which is neutral and polar, with alanine, which is neutral and non-polar, at codon 1125 of the TERT protein (p.Ser1125Ala). This variant is not present in population databases (gnomAD no frequency). This variant has not been reported in the literature in individuals affected with TERT-related conditions. ClinVar contains an entry for this variant (Variation ID: 1717737). Advanced modeling of protein sequence and biophysical properties (such as structural, functional, and spatial information, amino acid conservation, physicochemical variation, residue mobility, and thermodynamic stability) performed at Invitae indicates that this missense variant is not expected to disrupt TERT protein function with a negative predictive value of 95%. In summary, the available evidence is currently insufficient to determine the role of this variant in disease. Therefore, it has been classified as a Variant of Uncertain Significance.

Ambry Genetics
Classification: Likely benign for Dyskeratosis congenita. Last evaluated: 2022-08-01. Review status: criteria provided, single submitter. Criteria: Ambry Variant Classification Scheme 2023. Collection method: clinical testing. Allele origin: germline.